The following is an entry in ClinVar:

ClinVar aggregate classification (germline): Pathogenic (1 of 4 stars; one submission).

Conditions:
Episodic kinesigenic dyskinesia (EKD). Also called: Paroxysmal kinesigenic dyskinesia. Identifiers: Orphanet 98809, MedGen C1868682, MONDO:0044202.

Submission:

Labcorp Genetics (formerly Invitae), Labcorp
Classification: Pathogenic for Episodic kinesigenic dyskinesia. Last evaluated: 2023-08-17. Review status: criteria provided, single submitter. Criteria: Invitae Variant Classification Sherloc (09022015). Collection method: clinical testing. Allele origin: unknown.
Comment: For these reasons, this variant has been classified as Pathogenic. This variant has not been reported in the literature in individuals affected with PRRT2-related conditions. This variant is a gross deletion of the genomic region encompassing exon(s) 1-2 of the PRRT2 gene, which includes the initiator codon. This deletion extends beyond the assayed region for this gene and therefore may encompass additional genes. It is expected to result in an absent or disrupted protein product. Loss-of-function variants in PRRT2 are known to be pathogenic (PMID: 22623405, 22744660).

Literature cited by the submitters: PubMed 22623405; PubMed 22744660.

NC_000016.9:g.(?_29814750)_(29825274_?)del

Genes: KIF22 (kinesin family member 22; plus strand), MAZ (MYC associated zinc finger protein; plus strand), PRRT2 (proline rich transmembrane protein 2; plus strand). Cytogenetic location: 16p11.2.
Variant type: Deletion.
Identifiers: ClinVar variation 3243486 (VCV003243486.1).